The following is an entry in ClinVar:

NM_006231.4(POLE):c.2167C>G (p.Leu723Val)

Gene: POLE (DNA polymerase epsilon, catalytic subunit; minus strand). Cytogenetic location: 12q24.33.
Variant type: single nucleotide variant.
Coding change: c.2167C>G on transcript NM_006231.4 (MANE Select); coding-DNA position 2167, C replaced by G.
Protein change: p.Leu723Val; replaces leucine 723 with valine.
Molecular consequence: missense variant.
Genome position (GRCh38, 1-based): chr12:132,668,362, G>C on the plus strand (C>G on the coding strand, the complement: POLE is on the minus strand). VCF-style: chr12-132668362-G-C. GRCh37 (hg19) VCF-style: chr12-133244948-G-C.
Other names: short protein forms L723V.
Identifiers: ClinVar variation 2562918 (VCV002562918.2), dbSNP rs2135974465, ClinGen allele CA387353527.

ClinVar aggregate classification (germline): Uncertain significance (1 of 4 stars; one submission).

Conditions:
Hereditary cancer-predisposing syndrome. Also called: Neoplastic Syndromes, Hereditary; Hereditary Cancer Syndrome; Hereditary neoplastic syndrome; Tumor predisposition. Identifiers: Orphanet 140162, MedGen C0027672, MeSH D009386, MONDO:0015356.

Submission:

Ambry Genetics
Classification: Uncertain significance for Hereditary cancer-predisposing syndrome. Last evaluated: 2023-03-29. Review status: criteria provided, single submitter. Criteria: Ambry Variant Classification Scheme 2023. Collection method: clinical testing. Allele origin: germline.
Comment: The p.L723V variant (also known as c.2167C>G), located in coding exon 19 of the POLE gene, results from a C to G substitution at nucleotide position 2167. The leucine at codon 723 is replaced by valine, an amino acid with highly similar properties. This amino acid position is conserved. In addition, this alteration is predicted to be tolerated by in silico analysis. Since supporting evidence is limited at this time, the clinical significance of this alteration remains unclear.